The following is an entry in ClinVar:

ClinVar aggregate classification (germline): Uncertain significance (1 of 4 stars; one submission).

Submission:

Labcorp Genetics (formerly Invitae), Labcorp
Classification: Uncertain significance. Last evaluated: 2019-10-13. Review status: criteria provided, single submitter. Criteria: Invitae Variant Classification Sherloc (09022015). Collection method: clinical testing. Allele origin: germline.
Comment: This variant is a gross deletion of the genomic region encompassing exon 19 of the IFT81 gene. The 5' boundary is likely confined to intron 18. The 3' end of this event is unknown as it extends through the termination codon beyond the assayed region for this gene and may encompass additional genes. While this deletion is not anticipated to result in nonsense mediated decay, it is expected to create a truncated protein product or disrupt mRNA translation. In summary, the available evidence is currently insufficient to determine the role of this variant in disease. Therefore, it has been classified as a Variant of Uncertain Significance. This variant has not been reported in the literature in individuals with IFT81-related conditions.

NC_000012.12:g.(?_110218044)_(110218226_?)del

Gene: IFT81 (intraflagellar transport 81; plus strand). Cytogenetic location: 12q24.11.
Variant type: Deletion.
Identifiers: ClinVar variation 831751 (VCV000831751.5).